The following is an entry in ClinVar:

NM_015164.4(PLEKHM2):c.3031G>A (p.Gly1011Ser)

Gene: PLEKHM2 (pleckstrin homology and RUN domain containing M2; plus strand). Cytogenetic location: 1p36.21.
Variant type: single nucleotide variant.
Coding change: c.3031G>A on transcript NM_015164.4 (MANE Select); coding-DNA position 3031, G replaced by A.
Protein change: p.Gly1011Ser; replaces glycine 1011 with serine.
Molecular consequence: missense variant.
Genome position (GRCh38, 1-based): chr1:15,733,905, G>A. VCF-style: chr1-15733905-G-A. GRCh37 (hg19) VCF-style: chr1-16060400-G-A.
Other names: short protein forms G1011S.
Identifiers: ClinVar variation 1360269 (VCV001360269.7), dbSNP rs775573162, ClinGen allele CA617437.

ClinVar aggregate classification (germline): Uncertain significance (1 of 4 stars; one submission).

Conditions:
Dilated Cardiomyopathy, Recessive.

Allele frequency attached by ClinVar (database versions not stated): gnomAD exomes 0.00001 and 0.00002; ExAC 0.00002; gnomAD 0.00004; TOPMed 0.00004.
gnomAD v4.1: 31 of 1,612,618 alleles (0.0019%); highest among the groups gnomAD compares: Middle Eastern, 0.082%; 1 homozygote.

Submission:

Labcorp Genetics (formerly Invitae), Labcorp
Classification: Uncertain significance. Last evaluated: 2022-02-08. Review status: criteria provided, single submitter. Criteria: Invitae Variant Classification Sherloc (09022015). Collection method: clinical testing. Allele origin: germline.
Comment: In summary, the available evidence is currently insufficient to determine the role of this variant in disease. Therefore, it has been classified as a Variant of Uncertain Significance. Algorithms developed to predict the effect of sequence changes on RNA splicing suggest that this variant may create or strengthen a splice site. Algorithms developed to predict the effect of missense changes on protein structure and function are either unavailable or do not agree on the potential impact of this missense change (SIFT: "Tolerated"; PolyPhen-2: "Probably Damaging"; Align-GVGD: "Class C0"). This variant has not been reported in the literature in individuals affected with PLEKHM2-related conditions. This variant is present in population databases (rs775573162, gnomAD 0.01%). This sequence change replaces glycine, which is neutral and non-polar, with serine, which is neutral and polar, at codon 1011 of the PLEKHM2 protein (p.Gly1011Ser).